The following is an entry in ClinVar:

NM_001330360.2(POLA1):c.3917G>T (p.Gly1306Val)

Gene: POLA1 (DNA polymerase alpha 1, catalytic subunit; plus strand). Cytogenetic location: Xp22.11.
Variant type: single nucleotide variant.
Coding change: c.3917G>T on transcript NM_001330360.2 (MANE Select); coding-DNA position 3917, G replaced by T.
Protein change: p.Gly1306Val; replaces glycine 1306 with valine.
Molecular consequence: missense variant. On other transcripts: non-coding transcript variant (2).
Genome position (GRCh38, 1-based): chrX:24,843,547, G>T. VCF-style: chrX-24843547-G-T. GRCh37 (hg19) VCF-style: chrX-24861664-G-T.
Other names: NC_000023.10:g.24861664G>T; c.3842G>T, p.Gly1281Val (NM_001378303.1); c.3899G>T, p.Gly1300Val (NM_016937.4); short protein forms G1281V, G1300V, G1306V.
Identifiers: ClinVar variation 3369055 (VCV003369055.2).
Genomic context (GRCh38, chrX:24,843,547, plus strand): 5'-ACAAAAACCCTTTTATAGCCTCACAGTAATTTTTTGTATACTTCTCCTGACTTATGTAGG[G>T]AACAGATATGGAGCCCAGCTTGTATCGTTGCAGTAACATCGATTGTAAGGCTTCACCTCT-3'
Protein context (NP_001317289.1, residues 1296-1316): NIYDNVFDGS[Gly1306Val]TDMEPSLYRC

ClinVar aggregate classification (germline): Uncertain significance (1 of 4 stars; one submission).

Submissions (2):

GeneDx
Classification: Uncertain significance. Last evaluated: 2024-02-08. Review status: criteria provided, single submitter. Criteria: GeneDx Variant Classification Process June 2021. Collection method: clinical testing. Allele origin: germline. Affected: yes.
Comment: Not observed at significant frequency in large population cohorts (gnomAD); In silico analysis supports that this missense variant does not alter protein structure/function; Has not been previously published as pathogenic or benign to our knowledge

Dr. Peter K. Rogan Lab, Western University
No classification provided (evidence only). Condition: Thyroid cancer, nonmedullary, 1. Review status: no classification provided. Collection method: in vitro. Allele origin: not applicable. Functional consequence: retained intron. Not counted in ClinVar's aggregate classification.